The following is an entry in ClinVar:

NM_014159.7(SETD2):c.661G>C (p.Val221Leu)

Gene: SETD2 (SET domain containing 2, histone lysine methyltransferase; minus strand). Cytogenetic location: 3p21.31.
Variant type: single nucleotide variant.
Coding change: c.661G>C on transcript NM_014159.7 (MANE Select); coding-DNA position 661, G replaced by C.
Protein change: p.Val221Leu; replaces valine 221 with leucine.
Molecular consequence: missense variant. On other transcripts: non-coding transcript variant (1).
Genome position (GRCh38, 1-based): chr3:47,123,975, C>G on the plus strand (G>C on the coding strand, the complement: SETD2 is on the minus strand). VCF-style: chr3-47123975-C-G. GRCh37 (hg19) VCF-style: chr3-47165465-C-G.
Other names: c.529G>C, p.Val177Leu (NM_001349370.3); short protein forms V177L, V221L.
Identifiers: ClinVar variation 845289 (VCV000845289.1), dbSNP rs2043218281, ClinGen allele CA352535569.
Genomic context (GRCh38, chr3:47,123,975, plus strand): 5'-GTTCTTTCAGAGATCTAACTGCTACATCTACTGGTAAGGGTACTGGTGCTGCCATTAGAA[C>G]TGTTATTGGTGTATGTGGCAAGGCCACTGGCTCTGTTACTGGTGCTGGTGATGAGAGTGT-3'
Protein context (NP_054878.5, residues 211-231): PVALPHTPIT[Val221Leu]LMAAPVPLPV

ClinVar aggregate classification (germline): Uncertain significance (1 of 4 stars; one submission).

Conditions:
Luscan-Lumish syndrome. Identifiers: Orphanet 597738, MedGen C4085873, MONDO:0014791, OMIM 616831.

Submission:

Labcorp Genetics (formerly Invitae), Labcorp
Classification: Uncertain significance for Luscan-lumish syndrome. Last evaluated: 2020-01-08. Review status: criteria provided, single submitter. Criteria: Invitae Variant Classification Sherloc (09022015). Collection method: clinical testing. Allele origin: germline.
Comment: This sequence change replaces valine with leucine at codon 221 of the SETD2 protein (p.Val221Leu). The valine residue is weakly conserved and there is a small physicochemical difference between valine and leucine. This variant is not present in population databases (ExAC no frequency). This variant has not been reported in the literature in individuals with SETD2-related conditions. Algorithms developed to predict the effect of missense changes on protein structure and function (SIFT, PolyPhen-2, Align-GVGD) all suggest that this variant is likely to be tolerated, but these predictions have not been confirmed by published functional studies and their clinical significance is uncertain. In summary, the available evidence is currently insufficient to determine the role of this variant in disease. Therefore, it has been classified as a Variant of Uncertain Significance.